The following is an entry in ClinVar:

ClinVar aggregate classification (germline): Likely benign (1 of 4 stars; one submission).

Allele frequency attached by ClinVar (database versions not stated): gnomAD 0.00001; gnomAD exomes 0.00001; ExAC 0.00005.
gnomAD v4.1: 19 of 1,551,628 alleles (0.0012%); highest among the groups gnomAD compares: Non-Finnish European, 0.0015%; no homozygotes.

Submission:

CeGaT Center for Human Genetics Tuebingen
Classification: Likely benign. Last evaluated: 2023-07-01. Review status: criteria provided, single submitter. Criteria: CeGaT Center For Human Genetics Tuebingen Variant Classification Criteria Version 2. Collection method: clinical testing. Allele origin: germline. Affected: yes. Observed: 1 variant allele.
Comment: CROCC: BP4, BP7

NM_014675.5(CROCC):c.2304C>T (p.Ala768=)

Gene: CROCC (ciliary rootlet coiled-coil, rootletin; plus strand). Cytogenetic location: 1p36.13.
Variant type: single nucleotide variant.
Coding change: c.2304C>T on transcript NM_014675.5 (MANE Select); coding-DNA position 2304, C replaced by T.
Protein change: p.Ala768=; no amino-acid change (alanine 768 retained).
Molecular consequence: synonymous variant.
Genome position (GRCh38, 1-based): chr1:16,946,781, C>T. VCF-style: chr1-16946781-C-T. GRCh37 (hg19) VCF-style: chr1-17273276-C-T.
Identifiers: ClinVar variation 2638375 (VCV002638375.24), dbSNP rs763640140, ClinGen allele CA635030.